The following is an entry in ClinVar:

ClinVar aggregate classification (germline): Pathogenic (1 of 4 stars; one submission).

Conditions:
Waardenburg syndrome type 4C (WS4C). Also called: WAARDENBURG SYNDROME WITH HIRSCHSPRUNG DISEASE, TYPE 4C. Identifiers: Orphanet 897, MedGen C2750452, MONDO:0013202, OMIM 613266.

Submission:

Institute of Rare Diseases, West China Hospital, Sichuan University
Classification: Pathogenic for Waardenburg syndrome type 4C. Last evaluated: 2025-01-09. Review status: criteria provided, single submitter. Criteria: ClinGen HL ACMG Specifications v1. Collection method: research. Allele origin: germline. Affected: yes.
Comment: PM1;PVS1;PS2;PP4;PM2_Supporting

NM_006941.4(SOX10):c.734del (p.Pro245fs)

Genes: POLR2F (RNA polymerase II, I and III subunit F; plus strand), SOX10 (SRY-box transcription factor 10; minus strand). Cytogenetic location: 22q13.1.
Variant type: Deletion.
Coding change: c.734del on transcript NM_006941.4 (MANE Select); coding-DNA position 734, one base deleted (C; older notation c.734delC).
Protein change: p.Pro245fs; shifts the reading frame from proline 245.
Molecular consequence: frameshift variant. On other transcripts: intron variant (3).
Genome position (GRCh38, 1-based): chr22:37,974,162, G deleted on the plus strand (C on the coding strand, the reverse complement: SOX10 is on the minus strand); the first of 4 consecutive G bases (chr22:37,974,162-37,974,165); deleting any one gives the same sequence. VCF-style (leftmost placement, unchanged base first): chr22-37974161-CG-C. GRCh37 (hg19) VCF-style: chr22-38370168-CG-C.
Other names: c.*38+1855del (NM_001363825.1); c.293+6995del (NM_001301130.2, NM_001301131.2); short protein forms P245fs.
Identifiers: ClinVar variation 3601853 (VCV003601853.1).